The following is an entry in ClinVar:

NM_000540.3(RYR1):c.6057A>C (p.Glu2019Asp)

Gene: RYR1 (ryanodine receptor 1; plus strand). Cytogenetic location: 19q13.2.
Variant type: single nucleotide variant.
Coding change: c.6057A>C on transcript NM_000540.3 (MANE Select); coding-DNA position 6057, A replaced by C.
Protein change: p.Glu2019Asp; replaces glutamic acid 2019 with aspartic acid.
Molecular consequence: missense variant.
Genome position (GRCh38, 1-based): chr19:38,490,662, A>C. VCF-style: chr19-38490662-A-C. GRCh37 (hg19) VCF-style: chr19-38981302-A-C.
Other names: c.6057A>C, p.Glu2019Asp (NM_001042723.2); short protein forms E2019D.
Identifiers: ClinVar variation 1008674 (VCV001008674.3), dbSNP rs1053361437, ClinGen allele CA308097820.
Genomic context (GRCh38, chr19:38,490,662, plus strand): 5'-ATCTTTGACCTTCCCCTAGATCAATATGCTATTGCAATTCAAAGATGGTACAGATGAGGA[A>C]GACTGTCCTCTCCCTGAAGAGATTCGACAGGATTTGCTTGACTTTCATCAAGACCTGCTG-3'
Protein context (NP_000531.2, residues 2009-2029): LLQFKDGTDE[Glu2019Asp]DCPLPEEIRQ

ClinVar aggregate classification (germline): Uncertain significance. Review status: criteria provided, multiple submitters, no conflicts (2 of 4 stars). 2 submissions from 2 submitters: Uncertain significance (2). Last evaluated 2023-12-18.

Conditions:
Malignant hyperthermia, susceptibility to, 1 (MHS1). Also called: RYR1-Related Malignant Hyperthermia Susceptibility; Anesthesia related hyperthermia; Malignant hyperpyrexia; Fulminating hyperpyrexia; Pharmacogenic myopathy; Malignant hyperthermia suceptibility 1. Identifiers: Orphanet 423, MedGen C2930980, MONDO:0007783, OMIM 145600.
RYR1-related disorder. Also called: RYR1-related disorders; RYR1-related condition. Identifiers: MedGen CN239331.

Allele frequency attached by ClinVar (database versions not stated): gnomAD exomes below 0.00001 and 0.00001; TOPMed 0.00001.
gnomAD v4.1: 3 of 1,613,750 alleles (0.00019%); highest among the groups gnomAD compares: Admixed American, 0.0033%; no homozygotes.

Submissions (2):

All of Us Research Program, National Institutes of Health
Classification: Uncertain significance for Malignant hyperthermia, susceptibility to, 1. Last evaluated: 2023-12-18. Review status: criteria provided, single submitter. Criteria: ACMG Guidelines, 2015. Collection method: clinical testing. Allele origin: germline. Inheritance: Autosomal dominant inheritance. Observed: 2 variant alleles, 2 heterozygotes.
Comment: This missense variant replaces glutamic acid with aspartic acid at codon 2019 of the RYR1 protein. Computational prediction suggests that this variant may not impact protein structure and function (internally defined REVEL score threshold <= 0.5, PMID: 27666373). To our knowledge, functional studies have not been reported for this variant. This variant has not been reported in individuals affected with RYR1-related disorders in the literature. This variant has been identified in 2/251458 chromosomes in the general population by the Genome Aggregation Database (gnomAD). The available evidence is insufficient to determine the role of this variant in disease conclusively. Therefore, this variant is classified as a Variant of Uncertain Significance.

This study involves interpretation of variants in research participants for the purpose of population health screening. Participant phenotype was not available at the time of variant classification. Additional details can be found in publication PMID: 35346344, PMCID: PMC8962531

Labcorp Genetics (formerly Invitae), Labcorp
Classification: Uncertain significance for RYR1-related disorder. Last evaluated: 2021-08-30. Review status: criteria provided, single submitter. Criteria: Invitae Variant Classification Sherloc (09022015). Collection method: clinical testing. Allele origin: germline.
Comment: This sequence change replaces glutamic acid with aspartic acid at codon 2019 of the RYR1 protein (p.Glu2019Asp). The glutamic acid residue is moderately conserved and there is a small physicochemical difference between glutamic acid and aspartic acid. This variant is not present in population databases (ExAC no frequency). This variant has not been reported in the literature in individuals affected with RYR1-related conditions. Algorithms developed to predict the effect of missense changes on protein structure and function (SIFT, PolyPhen-2, Align-GVGD) all suggest that this variant is likely to be tolerated. In summary, the available evidence is currently insufficient to determine the role of this variant in disease. Therefore, it has been classified as a Variant of Uncertain Significance.